The following is an entry in ClinVar:

NM_024675.4(PALB2):c.829G>T (p.Asp277Tyr)

Gene: PALB2 (partner and localizer of BRCA2; minus strand). Cytogenetic location: 16p12.2.
Variant type: single nucleotide variant.
Coding change: c.829G>T on transcript NM_024675.4 (MANE Select); coding-DNA position 829, G replaced by T.
Protein change: p.Asp277Tyr; replaces aspartic acid 277 with tyrosine.
Molecular consequence: missense variant.
Genome position (GRCh38, 1-based): chr16:23,635,717, C>A on the plus strand (G>T on the coding strand, the complement: PALB2 is on the minus strand). VCF-style: chr16-23635717-C-A. GRCh37 (hg19) VCF-style: chr16-23647038-C-A.
Other names: short protein forms D277Y.
Identifiers: ClinVar variation 582336 (VCV000582336.15), dbSNP rs778309339, ClinGen allele CA395135949.

ClinVar aggregate classification (germline): Uncertain significance. Review status: criteria provided, multiple submitters, no conflicts (2 of 4 stars). 3 submissions from 3 submitters: Uncertain significance (3). Last evaluated 2025-04-07.

Conditions:
Familial cancer of breast. Also called: Hereditary breast cancer; hereditary breast carcinoma; BREAST CANCER, FAMILIAL. Identifiers: Orphanet 227535, MedGen C0346153, MONDO:0016419, OMIM 114480. Disease mechanism: loss of function.
Hereditary cancer-predisposing syndrome. Also called: Neoplastic Syndromes, Hereditary; Hereditary Cancer Syndrome; Tumor predisposition; Hereditary neoplastic syndrome. Identifiers: Orphanet 140162, MedGen C0027672, MeSH D009386, MONDO:0015356.

Submissions (3):

Color Diagnostics, LLC DBA Color Health
Classification: Uncertain significance for Hereditary cancer-predisposing syndrome. Last evaluated: 2025-04-07. Review status: criteria provided, single submitter. Criteria: ACMG Guidelines, 2015. Collection method: clinical testing. Allele origin: germline.
Comment: This missense variant replaces aspartic acid with tyrosine at codon 277 of the PALB2 protein. Computational prediction suggests that this variant may not impact protein structure and function. To our knowledge, functional studies have not been reported for this variant. This variant has been reported in at least one carrier among Australian familial cancer centers (PMID: 39402389). This variant has not been identified in the general population by the Genome Aggregation Database (gnomAD). The available evidence is insufficient to determine the role of this variant in disease conclusively. Therefore, this variant is classified as a Variant of Uncertain Significance.

Labcorp Genetics (formerly Invitae), Labcorp
Classification: Uncertain significance for Familial cancer of breast. Last evaluated: 2024-10-15. Review status: criteria provided, single submitter. Criteria: Invitae Variant Classification Sherloc (09022015). Collection method: clinical testing. Allele origin: germline.
Comment: This sequence change replaces aspartic acid, which is acidic and polar, with tyrosine, which is neutral and polar, at codon 277 of the PALB2 protein (p.Asp277Tyr). This variant is not present in population databases (gnomAD no frequency). This variant has not been reported in the literature in individuals affected with PALB2-related conditions. ClinVar contains an entry for this variant (Variation ID: 582336). An algorithm developed to predict the effect of missense changes on protein structure and function (PolyPhen-2) suggests that this variant is likely to be tolerated. In summary, the available evidence is currently insufficient to determine the role of this variant in disease. Therefore, it has been classified as a Variant of Uncertain Significance.

Ambry Genetics
Classification: Uncertain significance for Hereditary cancer-predisposing syndrome. Last evaluated: 2018-11-16. Review status: criteria provided, single submitter. Criteria: Ambry Variant Classification Scheme 2023. Collection method: clinical testing. Allele origin: germline.
Comment: The p.D277Y variant (also known as c.829G>T), located in coding exon 4 of the PALB2 gene, results from a G to T substitution at nucleotide position 829. The aspartic acid at codon 277 is replaced by tyrosine, an amino acid with highly dissimilar properties. This amino acid position is poorly conserved in available vertebrate species. In addition, this alteration is predicted to be tolerated by in silico analysis. Since supporting evidence is limited at this time, the clinical significance of this alteration remains unclear.

Literature cited by the submitters: PubMed 39402389 (cited by Color Diagnostics, LLC DBA Color Health).